The following is an entry in ClinVar:

ClinVar aggregate classification (germline): Pathogenic (1 of 4 stars; one submission).

Submission:

Labcorp Genetics (formerly Invitae), Labcorp
Classification: Pathogenic. Last evaluated: 2022-12-20. Review status: criteria provided, single submitter. Criteria: Invitae Variant Classification Sherloc (09022015). Collection method: clinical testing. Allele origin: germline.
Comment: This sequence change creates a premature translational stop signal (p.Tyr1027*) in the CACNA1F gene. It is expected to result in an absent or disrupted protein product. Loss-of-function variants in CACNA1F are known to be pathogenic (PMID: 9662399, 11281458, 17525176, 22194652, 24124559, 26992781). This variant is not present in population databases (gnomAD no frequency). This premature translational stop signal has been observed in individual(s) with X-linked type 2 congenital stationary night blindness (PMID: 32680768). For these reasons, this variant has been classified as Pathogenic.

Literature cited by the submitters: PubMed 9662399; PubMed 11281458; PubMed 17525176; PubMed 22194652; PubMed 24124559; PubMed 26992781; PubMed 32680768.

NM_001256789.3(CACNA1F):c.3048C>A (p.Tyr1016Ter)

Gene: CACNA1F (calcium voltage-gated channel subunit alpha1 F; minus strand). Cytogenetic location: Xp11.23.
Variant type: single nucleotide variant.
Coding change: c.3048C>A on transcript NM_001256789.3 (MANE Select); coding-DNA position 3048, C replaced by A.
Protein change: p.Tyr1016Ter; replaces tyrosine 1016 with a stop codon.
Molecular consequence: nonsense.
Genome position (GRCh38, 1-based): chrX:49,217,796, G>T on the plus strand (C>A on the coding strand, the complement: CACNA1F is on the minus strand). VCF-style: chrX-49217796-G-T. GRCh37 (hg19) VCF-style: chrX-49074255-G-T.
Other names: c.2886C>A, p.Tyr962Ter (NM_001256790.3); c.3081C>A, p.Tyr1027Ter (NM_005183.4); short protein forms Y1027*, Y1016*, Y962*.
Identifiers: ClinVar variation 1929598 (VCV001929598.5), dbSNP rs2520903522, ClinGen allele CA412964278.
Genomic context (GRCh38, chrX:49,217,796, plus strand): 5'-CAGGGTCTTGGGCACTCACTTGCATTCTTGAGGGGTGTGTTTGGCCTCGTCCGTGCAGGT[G>T]TAGAATTTCCCCTGTAGAGAGGATGTCTGTCAAGTAGGTTCACCCTTCATCACACTCCCG-3'